The following is an entry in ClinVar:

NM_153717.3(EVC):c.1528G>A (p.Val510Ile)

Gene: EVC (EvC ciliary complex subunit 1; plus strand). Cytogenetic location: 4p16.2.
Variant type: single nucleotide variant.
Coding change: c.1528G>A on transcript NM_153717.3 (MANE Select); coding-DNA position 1528, G replaced by A.
Protein change: p.Val510Ile; replaces valine 510 with isoleucine.
Molecular consequence: missense variant.
Genome position (GRCh38, 1-based): chr4:5,756,327, G>A. VCF-style: chr4-5756327-G-A. GRCh37 (hg19) VCF-style: chr4-5758054-G-A.
Other names: c.1528G>A, p.Val510Ile (NM_001306090.2, NM_001306092.2); short protein forms V510I.
Identifiers: ClinVar variation 349181 (VCV000349181.40), dbSNP rs143971158, ClinGen allele CA2836147.

ClinVar aggregate classification (germline): Conflicting classifications of pathogenicity. Review status: criteria provided, conflicting classifications (1 of 4 stars). 12 submissions from 12 submitters: Uncertain significance (3); Likely benign (5). 4 of the submissions do not count toward it. Last evaluated 2026-05-14.

Conditions:
Ellis-van Creveld syndrome (EVC). Also called: Chondroectodermal dysplasia; MESOECTODERMAL DYSPLASIA. Identifiers: Orphanet 289, MedGen C0013903, MONDO:0009162, OMIM 225500.
Curry-Hall syndrome (WAD). Also called: WEYERS ACRODENTAL DYSOSTOSIS. Identifiers: Orphanet 952, MedGen C0457013, MONDO:0008673, OMIM 193530.
EVC-related disorder. Also called: EVC-related condition; EVC-related disorders.
Inborn genetic diseases. Identifiers: MedGen C0950123, MeSH D030342.

Allele frequency attached by ClinVar (database versions not stated): 1000 Genomes Project 30x 0.00016; 1000 Genomes Project 0.00020; TOPMed 0.00117; ESP Exome Variant Server 0.00146; ExAC 0.00195.
gnomAD v4.1: 3,174 of 1,612,454 alleles (0.2%); highest among the groups gnomAD compares: Non-Finnish European, 0.22%; 6 homozygotes.

Submissions (12):

Women's Health and Genetics/Laboratory Corporation of America, LabCorp
Classification: Uncertain significance. Last evaluated: 2026-05-14. Review status: criteria provided, single submitter. Criteria: LabCorp Variant Classification Summary - May 2015. Collection method: clinical testing. Allele origin: germline.

CeGaT Center for Human Genetics Tuebingen
Classification: Likely benign. Last evaluated: 2026-05-01. Review status: criteria provided, single submitter. Criteria: CeGaT Center For Human Genetics Tuebingen Variant Classification Criteria Version 2. Collection method: clinical testing. Allele origin: germline. Affected: yes. Observed: 3 variant alleles.
Comment: EVC: BP4, BS2

Labcorp Genetics (formerly Invitae), Labcorp
Classification: Likely benign for Curry-Hall syndrome; Ellis-van Creveld syndrome. Last evaluated: 2026-01-28. Review status: criteria provided, single submitter. Criteria: Invitae Variant Classification Sherloc (09022015). Collection method: clinical testing. Allele origin: germline.

Ambry Genetics
Classification: Uncertain significance for Inborn genetic diseases. Last evaluated: 2025-06-12. Review status: criteria provided, single submitter. Criteria: Ambry Variant Classification Scheme 2023. Collection method: clinical testing. Allele origin: germline.

Blueprint Genetics
Classification: Likely benign. Last evaluated: 2024-11-21. Review status: criteria provided, single submitter. Criteria: ACMG Guidelines, 2015. Collection method: clinical testing. Allele origin: germline.

GeneDx
Classification: Likely benign. Last evaluated: 2020-10-25. Review status: criteria provided, single submitter. Criteria: GeneDx Variant Classification Process June 2021. Collection method: clinical testing. Allele origin: germline. Affected: yes.

ARUP Laboratories, Molecular Genetics and Genomics, ARUP Laboratories
Classification: Likely benign. Last evaluated: 2020-07-02. Review status: criteria provided, single submitter. Criteria: ARUP Molecular Germline Variant Investigation Process. Collection method: clinical testing. Allele origin: germline.

Illumina Laboratory Services, Illumina
Classification: Uncertain significance for Ellis-van Creveld syndrome. Last evaluated: 2018-01-13. Review status: criteria provided, single submitter. Criteria: ICSL Variant Classification Criteria 13 December 2019. Collection method: clinical testing. Allele origin: germline.

PreventionGenetics, part of Exact Sciences
Classification: Likely benign for EVC-related condition. Last evaluated: 2019-11-07. Review status: no assertion criteria provided. Collection method: clinical testing. Allele origin: germline. Not counted in ClinVar's aggregate classification.
Comment: This variant is classified as likely benign based on ACMG/AMP sequence variant interpretation guidelines (Richards et al. 2015 PMID: 25741868, with internal and published modifications).

Clinical Genetics DNA and cytogenetics Diagnostics Lab, Erasmus MC, Erasmus Medical Center
Classification: Likely benign. Review status: no assertion criteria provided. Collection method: clinical testing. Allele origin: germline. Affected: yes. Study: VKGL Data-share Consensus. Not counted in ClinVar's aggregate classification.

Genome Diagnostics Laboratory, University Medical Center Utrecht
Classification: Benign. Review status: no assertion criteria provided. Collection method: clinical testing. Allele origin: germline. Affected: yes. Study: VKGL Data-share Consensus. Not counted in ClinVar's aggregate classification.

Laboratory of Diagnostic Genome Analysis, Leiden University Medical Center (LUMC)
Classification: Likely benign. Review status: no assertion criteria provided. Collection method: clinical testing. Allele origin: germline. Affected: yes. Study: VKGL Data-share Consensus. Not counted in ClinVar's aggregate classification.